The following is an entry in ClinVar:

ClinVar aggregate classification (germline): Uncertain significance (1 of 4 stars; one submission).

gnomAD v4.1: 3 of 1,614,006 alleles (0.00019%); highest among the groups gnomAD compares: East Asian, 0.0022%; no homozygotes.

Submission:

GeneDx
Classification: Uncertain significance. Last evaluated: 2026-09-24. Review status: criteria provided, single submitter. Criteria: GeneDx Variant Classification Process June 2021. Collection method: clinical testing. Allele origin: germline.
Comment: Not observed at significant frequency in large population cohorts (gnomAD); In silico analysis supports that this missense variant has a deleterious effect on protein structure/function; Has not been previously published as pathogenic or benign to our knowledge

NM_170606.3(KMT2C):c.14129G>A (p.Arg4710His)

Gene: KMT2C (lysine methyltransferase 2C; minus strand). Cytogenetic location: 7q36.1.
Variant type: single nucleotide variant.
Coding change: c.14129G>A on transcript NM_170606.3 (MANE Select); coding-DNA position 14129, G replaced by A.
Protein change: p.Arg4710His; replaces arginine 4710 with histidine.
Molecular consequence: missense variant.
Genome position (GRCh38, 1-based): chr7:152,145,198, C>T on the plus strand (G>A on the coding strand, the complement: KMT2C is on the minus strand). VCF-style: chr7-152145198-C-T. GRCh37 (hg19) VCF-style: chr7-151842283-C-T.
Other names: short protein forms R4710H.
Identifiers: ClinVar variation 4074494 (VCV004074494.2).